The following is an entry in ClinVar:

NM_004991.4(MECOM):c.2092C>G (p.Pro698Ala)

Gene: MECOM (MDS1 and EVI1 complex locus; minus strand). Cytogenetic location: 3q26.2.
Variant type: single nucleotide variant.
Coding change: c.2092C>G on transcript NM_004991.4 (MANE Select); coding-DNA position 2092, C replaced by G.
Protein change: p.Pro698Ala; replaces proline 698 with alanine.
Molecular consequence: missense variant. On other transcripts: intron variant (2).
Genome position (GRCh38, 1-based): chr3:169,115,780, G>C on the plus strand (C>G on the coding strand, the complement: MECOM is on the minus strand). VCF-style: chr3-169115780-G-C. GRCh37 (hg19) VCF-style: chr3-168833568-G-C.
Other names: c.1723C>G, p.Pro575Ala (NM_001105077.4); c.1528C>G, p.Pro510Ala (NM_001105078.4, NM_001164000.2, NM_001205194.2 and 4 more transcripts); c.1531C>G, p.Pro511Ala (NM_001163999.2, NM_001366467.2, NM_001366468.2 and 1 more transcripts); c.2092C>G, p.Pro698Ala (NM_001366466.2); c.1133-13C>G (NM_001366473.2); c.569-13C>G (NM_001366474.2); short protein forms P575A, P510A, P511A, P698A.
Identifiers: ClinVar variation 5024174 (VCV005024174.1).

ClinVar aggregate classification (germline): Uncertain significance (1 of 4 stars; one submission).

Conditions:
Inborn genetic diseases. Identifiers: MedGen C0950123, MeSH D030342.

Submission:

Ambry Genetics
Classification: Uncertain significance for Inborn genetic diseases. Last evaluated: 2026-08-08. Review status: criteria provided, single submitter. Criteria: Ambry Variant Classification Scheme 2023. Collection method: clinical testing. Allele origin: germline.
Comment: The p.P698A variant (also known as c.2092C>G), located in coding exon 8 of the MECOM gene, results from a C to G substitution at nucleotide position 2092. The proline at codon 698 is replaced by alanine, an amino acid with highly similar properties. This amino acid position is conserved. In addition, this alteration is predicted to be tolerated by in silico analysis. Based on the available evidence, the clinical significance of this variant remains unclear.